The following is an entry in ClinVar:

ClinVar aggregate classification (germline): Uncertain significance (1 of 4 stars; one submission).

Conditions:
Spastic paraplegia. Identifiers: MedGen C0037772, HP:0001258.

Submission:

Labcorp Genetics (formerly Invitae), Labcorp
Classification: Uncertain significance for Spastic paraplegia. Last evaluated: 2025-04-19. Review status: criteria provided, single submitter. Criteria: Invitae Variant Classification Sherloc (09022015). Collection method: clinical testing. Allele origin: germline.
Comment: This sequence change replaces serine, which is neutral and polar, with arginine, which is basic and polar, at codon 396 of the GJC2 protein (p.Ser396Arg). This variant is not present in population databases (gnomAD no frequency). This variant has not been reported in the literature in individuals affected with GJC2-related conditions. Invitae Evidence Modeling of protein sequence and biophysical properties (such as structural, functional, and spatial information, amino acid conservation, physicochemical variation, residue mobility, and thermodynamic stability) indicates that this missense variant is not expected to disrupt GJC2 protein function with a negative predictive value of 95%. In summary, the available evidence is currently insufficient to determine the role of this variant in disease. Therefore, it has been classified as a Variant of Uncertain Significance.

NM_020435.4(GJC2):c.1186A>C (p.Ser396Arg)

Gene: GJC2 (gap junction protein gamma 2; plus strand). Cytogenetic location: 1q42.13.
Variant type: single nucleotide variant.
Coding change: c.1186A>C on transcript NM_020435.4 (MANE Select); coding-DNA position 1186, A replaced by C.
Protein change: p.Ser396Arg; replaces serine 396 with arginine.
Molecular consequence: missense variant.
Genome position (GRCh38, 1-based): chr1:228,158,944, A>C. VCF-style: chr1-228158944-A-C. GRCh37 (hg19) VCF-style: chr1-228346645-A-C.
Other names: short protein forms S396R.
Identifiers: ClinVar variation 4809348 (VCV004809348.1).
Genomic context (GRCh38, chr1:228,158,944, plus strand): 5'-GGCCTCCCTGCGGCCTCCCGGGGGCCCCCCAGAGCAGGCGCCCCCGCGTCCCGGACGGGC[A>C]GTGCTACCTCTGCGGGCACTGTCGGGGAGCAGGGCCGGCCCGGCACCCACGAGCGGCCAG-3'
Protein context (NP_065168.2, residues 386-406): RAGAPASRTG[Ser396Arg]ATSAGTVGEQ